The following is an entry in ClinVar:

NM_138295.5(PKD1L1):c.8194-3T>C

Genes: PKD1L1 (polycystin 1 like 1, transient receptor potential channel interacting; minus strand), PKD1L1-AS1 (PKD1L1 antisense RNA 1; plus strand). Cytogenetic location: 7p12.3.
Variant type: single nucleotide variant.
Coding change: c.8194-3T>C on transcript NM_138295.5 (MANE Select); 3 bases into the intron before coding-DNA position 8194, T replaced by C.
Molecular consequence: intron variant.
Genome position (GRCh38, 1-based): chr7:47,796,153, A>G on the plus strand (T>C on the coding strand, the complement: PKD1L1 is on the minus strand). VCF-style: chr7-47796153-A-G. GRCh37 (hg19) VCF-style: chr7-47835751-A-G.
Identifiers: ClinVar variation 3031020 (VCV003031020.2), dbSNP rs755787038, ClinGen allele CA4251788.
Genomic context (GRCh38, chr7:47,796,153, plus strand): 5'-AAGATTTACTTTGAAAAGATTTTCTTTTTTGGGGTAAAGTCATGAGAAAACCTCTCAGCT[A>G]GGAAAAAGAAAAAAATAAAGACAAATTTCATGTTAGCAGCCTAAATAAAGAGCTTTGTTA-3'

ClinVar aggregate classification (germline): Likely benign (0 of 4 stars; one submission).

Conditions:
PKD1L1-related disorder. Also called: PKD1L1-related condition.

Allele frequency attached by ClinVar (database versions not stated): gnomAD exomes below 0.00001; ExAC 0.00001; gnomAD 0.00003; TOPMed 0.00003.
gnomAD v4.1: 6 of 1,575,256 alleles (0.00038%); highest among the groups gnomAD compares: African/African-American, 0.0041%; no homozygotes.

Submission:

PreventionGenetics, part of Exact Sciences
Classification: Likely benign for PKD1L1-related condition. Last evaluated: 2021-12-04. Review status: no assertion criteria provided. Collection method: clinical testing. Allele origin: germline.
Comment: This variant is classified as likely benign based on ACMG/AMP sequence variant interpretation guidelines (Richards et al. 2015 PMID: 25741868, with internal and published modifications).